The following is an entry in ClinVar:

NM_001330691.3(CEP78):c.779-9C>A

Gene: CEP78 (centrosomal protein 78; plus strand). Cytogenetic location: 9q21.2.
Variant type: single nucleotide variant.
Coding change: c.779-9C>A on transcript NM_001330691.3 (MANE Select); 9 bases into the intron before coding-DNA position 779, C replaced by A.
Molecular consequence: intron variant.
Genome position (GRCh38, 1-based): chr9:78,246,660, C>A. VCF-style: chr9-78246660-C-A. GRCh37 (hg19) VCF-style: chr9-80861576-C-A.
Other names: c.779-9C>A (NM_001349839.2, NM_001349840.2, NM_001330693.3 and 4 more transcripts).
Identifiers: ClinVar variation 1044160 (VCV001044160.8), dbSNP rs763275836, ClinGen allele CA1857639302.

ClinVar aggregate classification (germline): Uncertain significance (1 of 4 stars; one submission).

Submission:

Labcorp Genetics (formerly Invitae), Labcorp
Classification: Uncertain significance. Last evaluated: 2020-08-10. Review status: criteria provided, single submitter. Criteria: Invitae Variant Classification Sherloc (09022015). Collection method: clinical testing. Allele origin: germline.
Comment: This sequence change falls in intron 5 of the CEP78 gene. It does not directly change the encoded amino acid sequence of the CEP78 protein. This variant is not present in population databases (ExAC no frequency). This variant has not been reported in the literature in individuals with CEP78-related conditions. Algorithms developed to predict the effect of sequence changes on RNA splicing suggest that this variant may disrupt the consensus splice site, but this prediction has not been confirmed by published transcriptional studies. In summary, the available evidence is currently insufficient to determine the role of this variant in disease. Therefore, it has been classified as a Variant of Uncertain Significance.